The following is an entry in ClinVar:

ClinVar aggregate classification (germline): Uncertain significance (1 of 4 stars; one submission).

Submission:

GeneDx
Classification: Uncertain significance. Last evaluated: 2025-06-03. Review status: criteria provided, single submitter. Criteria: GeneDx Variant Classification Process June 2021. Collection method: clinical testing. Allele origin: germline. Affected: yes.
Comment: Not observed at significant frequency in large population cohorts (gnomAD); In silico analysis suggests that this missense variant does not alter protein structure/function; Has not been previously published as pathogenic or benign to our knowledge

NM_004640.7(DDX39B):c.799G>A (p.Val267Met)

Genes: ATP6V1G2-DDX39B (ATP6V1G2-DDX39B readthrough (NMD candidate); minus strand), DDX39B (DExD-box helicase 39B; minus strand). Cytogenetic location: 6p21.33.
Variant type: single nucleotide variant.
Coding change: c.799G>A on transcript NM_004640.7 (MANE Select); coding-DNA position 799, G replaced by A.
Protein change: p.Val267Met; replaces valine 267 with methionine.
Molecular consequence: missense variant. On other transcripts: non-coding transcript variant (2).
Genome position (GRCh38, 1-based): chr6:31,532,848, C>T on the plus strand (G>A on the coding strand, the complement: DDX39B is on the minus strand). VCF-style: chr6-31532848-C-T. GRCh37 (hg19) VCF-style: chr6-31500625-C-T.
Other names: c.799G>A, p.Val267Met (NM_080598.6); short protein forms V267M.
Identifiers: ClinVar variation 4536331 (VCV004536331.1).